The following is an entry in ClinVar:

ClinVar aggregate classification (germline): Uncertain significance. Review status: criteria provided, multiple submitters, no conflicts (2 of 4 stars). 3 submissions from 3 submitters: Uncertain significance (3). Last evaluated 2024-12-12.

Conditions:
Nephronophthisis. Also called: Juvenile Nephronophthisis. Identifiers: Orphanet 655, MedGen C0687120, MONDO:0019005, HP:0000090.
Meckel-Gruber syndrome. Also called: DYSENCEPHALIA SPLANCHNOCYSTICA; GRUBER SYNDROME; Dysencephalia splachnocystica. Identifiers: Orphanet 564, MedGen C0265215, MONDO:0018921.
Joubert syndrome. Also called: JOUBERT-BOLTSHAUSER SYNDROME; Familial aplasia of the vermis. Identifiers: Orphanet 475, MedGen C5979921, MONDO:0018772.
CEP290-related disorder. Also called: CEP290-related condition; CEP290-related disorders. Identifiers: MedGen CN239314.

Allele frequency attached by ClinVar (database versions not stated): gnomAD exomes below 0.00001.
gnomAD v4.1: 6 of 1,613,886 alleles (0.00037%); highest among the groups gnomAD compares: Admixed American, 0.0033%; no homozygotes.

Submissions (3):

PreventionGenetics, part of Exact Sciences
Classification: Uncertain significance for CEP290-related condition. Last evaluated: 2024-12-12. Review status: criteria provided, single submitter. Criteria: ACMG Guidelines, 2015. Collection method: clinical testing. Allele origin: germline.
Comment: The CEP290 c.5134A>G variant is predicted to result in the amino acid substitution p.Lys1712Glu. To our knowledge, this variant has not been reported in the literature or in a large population database (gnomAD), indicating this variant is rare. At this time, the clinical significance of this variant is uncertain due to the absence of conclusive functional and genetic evidence.

Blueprint Genetics
Classification: Uncertain significance. Last evaluated: 2024-09-11. Review status: criteria provided, single submitter. Criteria: ACMG Guidelines, 2015. Collection method: clinical testing. Allele origin: germline.

Labcorp Genetics (formerly Invitae), Labcorp
Classification: Uncertain significance for Joubert syndrome; Meckel-Gruber syndrome; Nephronophthisis. Last evaluated: 2022-08-17. Review status: criteria provided, single submitter. Criteria: Invitae Variant Classification Sherloc (09022015). Collection method: clinical testing. Allele origin: germline.
Comment: This sequence change replaces lysine, which is basic and polar, with glutamic acid, which is acidic and polar, at codon 1712 of the CEP290 protein (p.Lys1712Glu). This variant is not present in population databases (gnomAD no frequency). This variant has not been reported in the literature in individuals affected with CEP290-related conditions. ClinVar contains an entry for this variant (Variation ID: 1409339). Algorithms developed to predict the effect of missense changes on protein structure and function are either unavailable or do not agree on the potential impact of this missense change (SIFT: "Deleterious"; PolyPhen-2: "Benign"; Align-GVGD: "Class C55"). In summary, the available evidence is currently insufficient to determine the role of this variant in disease. Therefore, it has been classified as a Variant of Uncertain Significance.

NM_025114.4(CEP290):c.5134A>G (p.Lys1712Glu)

Gene: CEP290 (centrosomal protein 290; minus strand). Cytogenetic location: 12q21.32.
Variant type: single nucleotide variant.
Coding change: c.5134A>G on transcript NM_025114.4 (MANE Select); coding-DNA position 5134, A replaced by G.
Protein change: p.Lys1712Glu; replaces lysine 1712 with glutamic acid.
Molecular consequence: missense variant.
Genome position (GRCh38, 1-based): chr12:88,080,274, T>C on the plus strand (A>G on the coding strand, the complement: CEP290 is on the minus strand). VCF-style: chr12-88080274-T-C. GRCh37 (hg19) VCF-style: chr12-88474051-T-C.
Other names: c.5134A>G (NM_025114.3); short protein forms K1712E.
Identifiers: ClinVar variation 1409339 (VCV001409339.6), dbSNP rs1241267572, ClinGen allele CA385991193.